The following is an entry in ClinVar:

ClinVar aggregate classification (germline): Benign. Review status: criteria provided, multiple submitters, no conflicts (2 of 4 stars). 2 submissions from 2 submitters: Benign (2). Last evaluated 2018-01-13.

Conditions:
MPI-congenital disorder of glycosylation. Also called: CONGENITAL DISORDER OF GLYCOSYLATION, TYPE Ib; CDG Ib; MANNOSEPHOSPHATE ISOMERASE DEFICIENCY; MPI DEFICIENCY; PROTEIN-LOSING ENTEROPATHY-HEPATIC FIBROSIS SYNDROME; MPI-CDG. Identifiers: Orphanet 79319, MedGen C1865145, MONDO:0011257, OMIM 602579.

Allele frequency attached by ClinVar (database versions not stated): gnomAD 0.01763 and 0.01917; TOPMed 0.01823; 1000 Genomes Project 30x 0.02842; gnomAD exomes 0.02869; 1000 Genomes Project 0.03055.
gnomAD v4.1: 9,445 of 379,460 alleles (2.5%); highest among the groups gnomAD compares: South Asian, 6.3%; 243 homozygotes.

Submissions (2):

Illumina Laboratory Services, Illumina
Classification: Benign for MPI-congenital disorder of glycosylation. Last evaluated: 2018-01-13. Review status: criteria provided, single submitter. Criteria: ICSL Variant Classification Criteria 13 December 2019. Collection method: clinical testing. Allele origin: germline.
Comment: This variant was observed in the ICSL laboratory as part of a predisposition screen in an ostensibly healthy population. It had not been previously curated by ICSL or reported in the Human Gene Mutation Database (HGMD: prior to June 1st, 2018), and was therefore a candidate for classification through an automated scoring system. Utilizing variant allele frequency, disease prevalence and penetrance estimates, and inheritance mode, an automated score was calculated to assess if this variant is too frequent to cause the disease. Based on the score and internal cut-off values, a variant classified as benign is not then subjected to further curation. The score for this variant resulted in a classification of benign for this disease.

Breakthrough Genomics
Classification: Benign. Review status: criteria provided, single submitter. Criteria: ACMG Guidelines, 2015. Collection method: not provided. Allele origin: germline. Inheritance: Autosomal recessive inheritance. Affected: yes.

NM_002435.3(MPI):c.*358G>A

Genes: FAM219B (family with sequence similarity 219 member B; minus strand), MPI (mannose phosphate isomerase; plus strand). Cytogenetic location: 15q24.1.
Variant type: single nucleotide variant.
Coding change: c.*358G>A on transcript NM_002435.3 (MANE Select); 358 bases downstream of the stop codon, G replaced by A.
Molecular consequence: 3 prime UTR variant.
Genome position (GRCh38, 1-based): chr15:74,898,088, G>A. VCF-style: chr15-74898088-G-A. GRCh37 (hg19) VCF-style: chr15-75190429-G-A.
Other names: c.*557G>A (NM_001289155.2); c.*358G>A (NM_001289156.2, NM_001289157.2, NM_001330372.2).
Identifiers: ClinVar variation 317148 (VCV000317148.6), dbSNP rs117375132, ClinGen allele CA10642574.